The following is an entry in ClinVar:

ClinVar aggregate classification (germline): Uncertain significance. Review status: criteria provided, multiple submitters, no conflicts (2 of 4 stars). 2 submissions from 2 submitters: Uncertain significance (2). Last evaluated 2024-12-26.

Conditions:
Familial thoracic aortic aneurysm and aortic dissection (TAAD). Also called: Thoracic aortic aneurysms and dissections. Identifiers: Orphanet 91387, MedGen C4707243, MONDO:0019625.
Hereditary cancer-predisposing syndrome. Also called: Neoplastic Syndromes, Hereditary; Tumor predisposition; Hereditary neoplastic syndrome; Hereditary Cancer Syndrome. Identifiers: Orphanet 140162, MedGen C0027672, MeSH D009386, MONDO:0015356.

Submissions (2):

GeneDx
Classification: Uncertain significance. Last evaluated: 2024-12-26. Review status: criteria provided, single submitter. Criteria: GeneDx Variant Classification Process June 2021. Collection method: clinical testing. Allele origin: germline. Affected: yes.
Comment: Not observed at significant frequency in large population cohorts (gnomAD); In silico analysis supports that this missense variant has a deleterious effect on protein structure/function; Has not been previously published as pathogenic or benign to our knowledge; This variant is associated with the following publications: (PMID: 15235019, 18823382, 22992590)

Ambry Genetics
Classification: Uncertain significance for Hereditary cancer-predisposing syndrome; Familial thoracic aortic aneurysm and aortic dissection. Last evaluated: 2022-12-01. Review status: criteria provided, single submitter. Criteria: Ambry Variant Classification Scheme 2023. Collection method: clinical testing. Allele origin: germline.
Comment: The p.A36V variant (also known as c.107C>T), located in coding exon 1 of the SMAD4 gene, results from a C to T substitution at nucleotide position 107. The alanine at codon 36 is replaced by valine, an amino acid with similar properties. This amino acid position is conserved. In addition, the in silico prediction for this alteration is inconclusive. Since supporting evidence is limited at this time, the clinical significance of this alteration remains unclear.

NM_005359.6(SMAD4):c.107C>T (p.Ala36Val)

Gene: SMAD4 (SMAD family member 4; plus strand). Cytogenetic location: 18q21.2.
Variant type: single nucleotide variant.
Coding change: c.107C>T on transcript NM_005359.6 (MANE Select); coding-DNA position 107, C replaced by T.
Protein change: p.Ala36Val; replaces alanine 36 with valine.
Molecular consequence: missense variant. On other transcripts: non-coding transcript variant (2).
Genome position (GRCh38, 1-based): chr18:51,047,153, C>T. VCF-style: chr18-51047153-C-T. GRCh37 (hg19) VCF-style: chr18-48573523-C-T.
Other names: c.107C>T, p.Ala36Val (NM_001407041.1, NM_001407042.1, NM_001407043.1); short protein forms A36V.
Identifiers: ClinVar variation 2452509 (VCV002452509.3), dbSNP rs2144400954, ClinGen allele CA402457662.